The following is an entry in ClinVar:

NM_000266.4(NDP):c.47T>A (p.Leu16Gln)

Genes: NDP (norrin cystine knot growth factor NDP; minus strand), NDP-AS1 (NDP antisense RNA 1; plus strand). Cytogenetic location: Xp11.3.
Variant type: single nucleotide variant.
Coding change: c.47T>A on transcript NM_000266.4 (MANE Select); coding-DNA position 47, T replaced by A.
Protein change: p.Leu16Gln; replaces leucine 16 with glutamine.
Molecular consequence: missense variant.
Genome position (GRCh38, 1-based): chrX:43,958,599, A>T on the plus strand (T>A on the coding strand, the complement: NDP is on the minus strand). VCF-style: chrX-43958599-A-T. GRCh37 (hg19) VCF-style: chrX-43817845-A-T.
Other names: short protein forms L16Q.
Identifiers: ClinVar variation 4711435 (VCV004711435.1).
Genomic context (GRCh38, chrX:43,958,599, plus strand): 5'-GGGTCCGAGTCCATTATGAATGAGCTGTCCGTTTTACTGTCTGTATCTCCCATTATCACC[A>T]GCAGGGAGAGCATAGAAAAGGATGCAGCTAGTACATGTTTTCTCATTGTTGTAAGGAAAA-3'
Protein context (NP_000257.1, residues 6-26): LAASFSMLSL[Leu16Gln]VIMGDTDSKT

ClinVar aggregate classification (germline): Uncertain significance (1 of 4 stars; one submission).

Submission:

Labcorp Genetics (formerly Invitae), Labcorp
Classification: Uncertain significance. Last evaluated: 2025-10-10. Review status: criteria provided, single submitter. Criteria: Invitae Variant Classification Sherloc (09022015). Collection method: clinical testing. Allele origin: germline.
Comment: This sequence change replaces leucine, which is neutral and non-polar, with glutamine, which is neutral and polar, at codon 16 of the NDP protein (p.Leu16Gln). This variant is not present in population databases (gnomAD no frequency). This variant has not been reported in the literature in individuals affected with NDP-related conditions. Invitae Evidence Modeling of protein sequence and biophysical properties (such as structural, functional, and spatial information, amino acid conservation, physicochemical variation, residue mobility, and thermodynamic stability) has been performed for this missense variant. However, the output from this modeling did not meet the statistical confidence thresholds required to predict the impact of this variant on NDP protein function. Algorithms developed to predict the effect of sequence changes on RNA splicing suggest that this variant may create or strengthen a splice site. This variant disrupts the p.Leu16 amino acid residue in NDP. Other variant(s) that disrupt this residue have been determined to be pathogenic (PMID: 11337749). This suggests that this residue is clinically significant, and that variants that disrupt this residue are likely to be disease-causing. In summary, the available evidence is currently insufficient to determine the role of this variant in disease. Therefore, it has been classified as a Variant of Uncertain Significance.

Literature cited by the submitters: PubMed 11337749.